The following is an entry in ClinVar:

NM_182919.4(TICAM1):c.1924C>A (p.Pro642Thr)

Gene: TICAM1 (TIR domain containing adaptor molecule 1; minus strand). Cytogenetic location: 19p13.3.
Variant type: single nucleotide variant.
Coding change: c.1924C>A on transcript NM_182919.4 (MANE Select); coding-DNA position 1924, C replaced by A.
Protein change: p.Pro642Thr; replaces proline 642 with threonine.
Molecular consequence: missense variant.
Genome position (GRCh38, 1-based): chr19:4,816,454, G>T on the plus strand (C>A on the coding strand, the complement: TICAM1 is on the minus strand). VCF-style: chr19-4816454-G-T. GRCh37 (hg19) VCF-style: chr19-4816466-G-T.
Other names: c.1882C>A, p.Pro628Thr (NM_001385678.1); c.1789C>A, p.Pro597Thr (NM_001385679.1); c.1282C>A, p.Pro428Thr (NM_001385680.1); short protein forms P642T, P597T, P628T, P428T.
Identifiers: ClinVar variation 2132866 (VCV002132866.4), dbSNP rs779591355, ClinGen allele CA403488543.
Genomic context (GRCh38, chr19:4,816,454, plus strand): 5'-CTGGGGACTGCGGGAAGGGCAGTGACTGTGGAAAGGCTGCTGGCTGTGGGGAGGGCGGTG[G>T]GGGGGTGCCAGCCTGCCATGCGTGCAGGGGTGGCGGCTGCGGGCACCCCGGCCAAGTGGG-3'
Protein context (NP_891549.1, residues 632-652): PLHAWQAGTP[Pro642Thr]PPSPQPAAFP

ClinVar aggregate classification (germline): Uncertain significance (1 of 4 stars; one submission).

Conditions:
Encephalopathy, acute, infection-induced (herpes-specific), susceptibility to, 6. Also called: Herpes simplex encephalitis, susceptibility to, 4. Identifiers: Orphanet 1930, MedGen C3553869, MONDO:0013921, OMIM 614850.

gnomAD v4.1: 1 of 1,554,954 alleles (0.000064%); no homozygotes.

Submission:

Labcorp Genetics (formerly Invitae), Labcorp
Classification: Uncertain significance for Encephalopathy, acute, infection-induced (herpes-specific), susceptibility to, 6. Last evaluated: 2022-05-03. Review status: criteria provided, single submitter. Criteria: Invitae Variant Classification Sherloc (09022015). Collection method: clinical testing. Allele origin: germline.
Comment: This sequence change replaces proline, which is neutral and non-polar, with threonine, which is neutral and polar, at codon 642 of the TICAM1 protein (p.Pro642Thr). In summary, the available evidence is currently insufficient to determine the role of this variant in disease. Therefore, it has been classified as a Variant of Uncertain Significance. Algorithms developed to predict the effect of missense changes on protein structure and function output the following: SIFT: "Deleterious"; PolyPhen-2: "Benign"; Align-GVGD: "Class C0". The threonine amino acid residue is found in multiple mammalian species, which suggests that this missense change does not adversely affect protein function. This variant has not been reported in the literature in individuals affected with TICAM1-related conditions. This variant is not present in population databases (gnomAD no frequency).